The following is an entry in ClinVar:

ClinVar aggregate classification (germline): Uncertain significance (1 of 4 stars; one submission).

Submission:

Labcorp Genetics (formerly Invitae), Labcorp
Classification: Uncertain significance. Last evaluated: 2022-01-11. Review status: criteria provided, single submitter. Criteria: Invitae Variant Classification Sherloc (09022015). Collection method: clinical testing. Allele origin: germline.
Comment: This variant is not present in population databases (gnomAD no frequency). This sequence change replaces isoleucine, which is neutral and non-polar, with methionine, which is neutral and non-polar, at codon 199 of the RALA protein (p.Ile199Met). In summary, the available evidence is currently insufficient to determine the role of this variant in disease. Therefore, it has been classified as a Variant of Uncertain Significance. Advanced modeling of protein sequence and biophysical properties (such as structural, functional, and spatial information, amino acid conservation, physicochemical variation, residue mobility, and thermodynamic stability) performed at Invitae indicates that this missense variant is not expected to disrupt RALA protein function. This variant has not been reported in the literature in individuals affected with RALA-related conditions.

NM_005402.4(RALA):c.597C>G (p.Ile199Met)

Gene: RALA (RAS like proto-oncogene A; plus strand). Cytogenetic location: 7p14.1.
Variant type: single nucleotide variant.
Coding change: c.597C>G on transcript NM_005402.4 (MANE Select); coding-DNA position 597, C replaced by G.
Protein change: p.Ile199Met; replaces isoleucine 199 with methionine.
Molecular consequence: missense variant.
Genome position (GRCh38, 1-based): chr7:39,706,221, C>G. VCF-style: chr7-39706221-C-G. GRCh37 (hg19) VCF-style: chr7-39745820-C-G.
Other names: short protein forms I199M.
Identifiers: ClinVar variation 2079224 (VCV002079224.4), dbSNP rs1347716090, ClinGen allele CA367307375.